The following is an entry in ClinVar:

NM_014171.6(CRIPT):c.242G>T (p.Gly81Val)

Gene: CRIPT (CXXC repeat containing interactor of PDZ3 domain; plus strand). Cytogenetic location: 2p21.
Variant type: single nucleotide variant.
Coding change: c.242G>T on transcript NM_014171.6 (MANE Select); coding-DNA position 242, G replaced by T.
Protein change: p.Gly81Val; replaces glycine 81 with valine.
Molecular consequence: missense variant.
Genome position (GRCh38, 1-based): chr2:46,624,163, G>T. VCF-style: chr2-46624163-G-T. GRCh37 (hg19) VCF-style: chr2-46851302-G-T.
Other names: c.242G>T (NM_014171.4); short protein forms G81V.
Identifiers: ClinVar variation 2123596 (VCV002123596.2), dbSNP rs2466595887, ClinGen allele CA346702172.

ClinVar aggregate classification (germline): Uncertain significance. Review status: criteria provided, multiple submitters, no conflicts (2 of 4 stars). 2 submissions from 2 submitters: Uncertain significance (2). Last evaluated 2025-09-25.

Conditions:
Inborn genetic diseases. Identifiers: MedGen C0950123, MeSH D030342.

Allele frequency attached by ClinVar (database versions not stated): gnomAD exomes below 0.00001.

Submissions (2):

Ambry Genetics
Classification: Uncertain significance for Inborn genetic diseases. Last evaluated: 2025-09-25. Review status: criteria provided, single submitter. Criteria: Ambry Variant Classification Scheme 2023. Collection method: clinical testing. Allele origin: germline.

Labcorp Genetics (formerly Invitae), Labcorp
Classification: Uncertain significance. Last evaluated: 2022-04-20. Review status: criteria provided, single submitter. Criteria: Invitae Variant Classification Sherloc (09022015). Collection method: clinical testing. Allele origin: germline.
Comment: This sequence change replaces glycine, which is neutral and non-polar, with valine, which is neutral and non-polar, at codon 81 of the CRIPT protein (p.Gly81Val). This variant is not present in population databases (gnomAD no frequency). This variant has not been reported in the literature in individuals affected with CRIPT-related conditions. Algorithms developed to predict the effect of missense changes on protein structure and function are either unavailable or do not agree on the potential impact of this missense change (SIFT: "Deleterious"; PolyPhen-2: "Probably Damaging"; Align-GVGD: "Class C15"). Algorithms developed to predict the effect of sequence changes on RNA splicing suggest that this variant may disrupt the consensus splice site. In summary, the available evidence is currently insufficient to determine the role of this variant in disease. Therefore, it has been classified as a Variant of Uncertain Significance.